The following is an entry in ClinVar:

ClinVar aggregate classification (germline): Uncertain significance (1 of 4 stars; one submission).

Conditions:
Kabuki syndrome. Also called: NIIKAWA-KUROKI SYNDROME; Kabuki make-up syndrome. Identifiers: Orphanet 2322, MedGen C0796004, MONDO:0016512.

Submission:

Labcorp Genetics (formerly Invitae), Labcorp
Classification: Uncertain significance for Kabuki syndrome. Last evaluated: 2023-11-21. Review status: criteria provided, single submitter. Criteria: Invitae Variant Classification Sherloc (09022015). Collection method: clinical testing. Allele origin: germline.
Comment: This sequence change replaces leucine, which is neutral and non-polar, with valine, which is neutral and non-polar, at codon 2102 of the KMT2D protein (p.Leu2102Val). This variant is not present in population databases (gnomAD no frequency). This variant has not been reported in the literature in individuals affected with KMT2D-related conditions. Advanced modeling of protein sequence and biophysical properties (such as structural, functional, and spatial information, amino acid conservation, physicochemical variation, residue mobility, and thermodynamic stability) has been performed at Invitae for this missense variant, however the output from this modeling did not meet the statistical confidence thresholds required to predict the impact of this variant on KMT2D protein function. In summary, the available evidence is currently insufficient to determine the role of this variant in disease. Therefore, it has been classified as a Variant of Uncertain Significance.

NM_003482.4(KMT2D):c.6304C>G (p.Leu2102Val)

Gene: KMT2D (lysine methyltransferase 2D; minus strand). Cytogenetic location: 12q13.12.
Variant type: single nucleotide variant.
Coding change: c.6304C>G on transcript NM_003482.4 (MANE Select); coding-DNA position 6304, C replaced by G.
Protein change: p.Leu2102Val; replaces leucine 2102 with valine.
Molecular consequence: missense variant.
Genome position (GRCh38, 1-based): chr12:49,041,466, G>C on the plus strand (C>G on the coding strand, the complement: KMT2D is on the minus strand). VCF-style: chr12-49041466-G-C. GRCh37 (hg19) VCF-style: chr12-49435249-G-C.
Other names: short protein forms L2102V.
Identifiers: ClinVar variation 2697994 (VCV002697994.3), dbSNP rs2120547397, ClinGen allele CA384751413.